The following is an entry in ClinVar:

ClinVar aggregate classification (germline): Uncertain significance (1 of 4 stars; one submission).

Conditions:
Hereditary cancer-predisposing syndrome. Also called: Neoplastic Syndromes, Hereditary; Tumor predisposition; Hereditary Cancer Syndrome; Hereditary neoplastic syndrome. Identifiers: Orphanet 140162, MedGen C0027672, MeSH D009386, MONDO:0015356.

Submission:

Ambry Genetics
Classification: Uncertain significance for Hereditary cancer-predisposing syndrome. Last evaluated: 2020-01-21. Review status: criteria provided, single submitter. Criteria: Ambry Variant Classification Scheme 2023. Collection method: clinical testing. Allele origin: germline.
Comment: The p.A611P variant (also known as c.1831G>C), located in coding exon 15 of the MRE11A gene, results from a G to C substitution at nucleotide position 1831. The alanine at codon 611 is replaced by proline, an amino acid with highly similar properties. This amino acid position is poorly conserved in available vertebrate species. In addition, this alteration is predicted to be tolerated by in silico analysis. Since supporting evidence is limited at this time, the clinical significance of this alteration remains unclear.

NM_005591.4(MRE11):c.1831G>C (p.Ala611Pro)

Gene: MRE11 (MRE11 double strand break repair nuclease; minus strand). Cytogenetic location: 11q21.
Variant type: single nucleotide variant.
Coding change: c.1831G>C on transcript NM_005591.4 (MANE Select); coding-DNA position 1831, G replaced by C.
Protein change: p.Ala611Pro; replaces alanine 611 with proline.
Molecular consequence: missense variant. On other transcripts: intron variant (1).
Genome position (GRCh38, 1-based): chr11:94,445,846, C>G on the plus strand (G>C on the coding strand, the complement: MRE11 is on the minus strand). VCF-style: chr11-94445846-C-G. GRCh37 (hg19) VCF-style: chr11-94179012-C-G.
Other names: c.1828G>C, p.Ala610Pro (NM_001330347.2); c.1783+1373G>C (NM_005590.4); short protein forms A610P, A611P.
Identifiers: ClinVar variation 1800166 (VCV001800166.2), dbSNP rs2134896008, ClinGen allele CA382366601.